The following is an entry in ClinVar:

ClinVar aggregate classification (germline): Benign. Review status: criteria provided, multiple submitters, no conflicts (2 of 4 stars). 4 submissions from 4 submitters: Benign (3). 1 of the submissions does not count toward it. Last evaluated 2026-01-22.

Conditions:
Immunodeficiency 18 (IMD18). Also called: CD3-EPSILON DEFICIENCY; CD3epsilon deficiency. Identifiers: MedGen C3810127, MONDO:0014278, OMIM 615615.
CD3E-related disorder. Also called: CD3E-related condition.

Allele frequency attached by ClinVar (database versions not stated): gnomAD 0.00401 and 0.00427; ESP Exome Variant Server 0.00423; TOPMed 0.00447; 1000 Genomes Project 0.00599; 1000 Genomes Project 30x 0.00718.
gnomAD v4.1: 1,196 of 1,614,098 alleles (0.074%); highest among the groups gnomAD compares: African/African-American, 1.3%; 14 homozygotes.

Submissions (4):

Labcorp Genetics (formerly Invitae), Labcorp
Classification: Benign for Immunodeficiency 18. Last evaluated: 2026-01-22. Review status: criteria provided, single submitter. Criteria: Invitae Variant Classification Sherloc (09022015). Collection method: clinical testing. Allele origin: germline.

Illumina Laboratory Services, Illumina
Classification: Benign for Immunodeficiency 18. Last evaluated: 2018-01-13. Review status: criteria provided, single submitter. Criteria: ICSL Variant Classification Criteria 13 December 2019. Collection method: clinical testing. Allele origin: germline.
Comment: This variant was observed in the ICSL laboratory as part of a predisposition screen in an ostensibly healthy population. It had not been previously curated by ICSL or reported in the Human Gene Mutation Database (HGMD: prior to June 1st, 2018), and was therefore a candidate for classification through an automated scoring system. Utilizing variant allele frequency, disease prevalence and penetrance estimates, and inheritance mode, an automated score was calculated to assess if this variant is too frequent to cause the disease. Based on the score and internal cut-off values, a variant classified as benign is not then subjected to further curation. The score for this variant resulted in a classification of benign for this disease.

Breakthrough Genomics
Classification: Benign. Review status: criteria provided, single submitter. Criteria: ACMG Guidelines, 2015. Collection method: not provided. Allele origin: germline. Inheritance: Autosomal recessive inheritance. Affected: yes.

PreventionGenetics, part of Exact Sciences
Classification: Likely benign for CD3E-related condition. Last evaluated: 2020-05-11. Review status: no assertion criteria provided. Collection method: clinical testing. Allele origin: germline. Not counted in ClinVar's aggregate classification.
Comment: This variant is classified as likely benign based on ACMG/AMP sequence variant interpretation guidelines (Richards et al. 2015 PMID: 25741868, with internal and published modifications).

NM_000733.4(CD3E):c.323C>T (p.Ala108Val)

Gene: CD3E (CD3 epsilon subunit of T-cell receptor complex; plus strand). Cytogenetic location: 11q23.3.
Variant type: single nucleotide variant.
Coding change: c.323C>T on transcript NM_000733.4 (MANE Select); coding-DNA position 323, C replaced by T.
Protein change: p.Ala108Val; replaces alanine 108 with valine.
Molecular consequence: missense variant.
Genome position (GRCh38, 1-based): chr11:118,312,837, C>T. VCF-style: chr11-118312837-C-T. GRCh37 (hg19) VCF-style: chr11-118183552-C-T.
Other names: short protein forms A108V.
Identifiers: ClinVar variation 474802 (VCV000474802.20), dbSNP rs35299792, ClinGen allele CA6301654.
Genomic context (GRCh38, chr11:118,312,837, plus strand): 5'-CAGAATTGGAGCAAAGTGGTTATTATGTCTGCTACCCCAGAGGAAGCAAACCAGAAGATG[C>T]GAACTTTTATCTCTACCTGAGGGCAAGAGGTAATCCAGGTCTCCAGAACAGGTACCACCG-3'
Protein context (NP_000724.1, residues 98-118): CYPRGSKPED[Ala108Val]NFYLYLRARV